The following is an entry in ClinVar:

NM_000059.4(BRCA2):c.538_539del (p.Ile180fs)

Gene: BRCA2 (BRCA2 DNA repair associated; plus strand). Cytogenetic location: 13q13.1.
Variant type: Microsatellite.
Coding change: c.538_539del on transcript NM_000059.4 (MANE Select); coding-DNA positions 538 to 539, 2 bases deleted (AT; older notation c.538_539delAT).
Protein change: p.Ile180fs; shifts the reading frame from isoleucine 180.
Molecular consequence: frameshift variant.
Genome position (GRCh38, 1-based): chr13:32,326,520-32,326,521, AT deleted; deleting any 2 consecutive bases within chr13:32,326,518-32,326,521 gives the same sequence; the c. name uses the placement nearest the transcript's 3' end. VCF-style (leftmost placement, unchanged base first): chr13-32326517-CAT-C. GRCh37 (hg19) VCF-style: chr13-32900654-CAT-C.
Other names: 766delAT; c.538_539delAT (NM_000059.3); short protein forms I180fs.
Identifiers: ClinVar variation 51850 (VCV000051850.21), dbSNP rs80359510, ClinGen allele CA022179.

ClinVar aggregate classification (germline): Pathogenic. Review status: reviewed by expert panel (3 of 4 stars). 7 submissions from 7 submitters: Pathogenic (1). 6 of the submissions do not count toward it. Last evaluated 2016-09-08.

Conditions:
Hereditary cancer-predisposing syndrome. Also called: Neoplastic Syndromes, Hereditary; Tumor predisposition; Hereditary neoplastic syndrome; Hereditary Cancer Syndrome. Identifiers: Orphanet 140162, MedGen C0027672, MeSH D009386, MONDO:0015356.
Hereditary breast ovarian cancer syndrome. Also called: Hereditary breast and ovarian cancer syndrome; Hereditary breast and ovarian cancer; Hereditary breast and ovarian cancer syndrome (HBOC); Breast and ovarian cancer; Hereditary breast and/or ovarian cancer syndrome; BRCA1- and BRCA2-Associated Hereditary Breast and Ovarian Cancer. Identifiers: Orphanet 145, MedGen C0677776, MeSH D061325, MONDO:0003582. Disease mechanism: loss of function.
Breast-ovarian cancer, familial, susceptibility to, 2 (BROVCA2). Also called: BRCA2 Hereditary Breast and Ovarian Cancer. Identifiers: Orphanet 145, MedGen C2675520, MONDO:0012933, OMIM 612555. Disease mechanism: loss of function.

Submissions (7):

Evidence-based Network for the Interpretation of Germline Mutant Alleles (ENIGMA)
Classification: Pathogenic for Breast-ovarian cancer, familial, susceptibility to, 2. Last evaluated: 2016-09-08. Review status: reviewed by expert panel. Criteria: ENIGMA BRCA1/2 Classification Criteria (2015). Collection method: curation. Allele origin: germline.
Comment: Variant allele predicted to encode a truncated non-functional protein.

Ambry Genetics
Classification: Pathogenic for Hereditary cancer-predisposing syndrome. Last evaluated: 2023-04-03. Review status: criteria provided, single submitter. Criteria: Ambry Variant Classification Scheme 2023. Collection method: clinical testing. Allele origin: germline. Not counted in ClinVar's aggregate classification.
Comment: The c.538_539delAT pathogenic mutation, located in coding exon 6 of the BRCA2 gene, results from a deletion of two nucleotides at nucleotide positions 538 to 539, causing a translational frameshift with a predicted alternate stop codon (p.I180Ffs*2). This alteration has been reported in at least one affected individual in a family meeting HBOC criteria (de Juan I et al. Fam. Cancer, 2015 Dec;14:505-13). This alteration was also detected in a cohort of 8085 consecutive unselected Chinese breast cancer patients who underwent multi-gene panel testing. (Sun J et al. Clin. Cancer Res., 2017 Oct;23:6113-6119). In addition to the clinical data presented in the literature, this alteration is expected to result in loss of function by premature protein truncation or nonsense-mediated mRNA decay. As such, this alteration is interpreted as a disease-causing mutation.

Labcorp Genetics (formerly Invitae), Labcorp
Classification: Pathogenic for Hereditary breast ovarian cancer syndrome. Last evaluated: 2022-10-03. Review status: criteria provided, single submitter. Criteria: Invitae Variant Classification Sherloc (09022015). Collection method: clinical testing. Allele origin: germline. Not counted in ClinVar's aggregate classification.
Comment: For these reasons, this variant has been classified as Pathogenic. ClinVar contains an entry for this variant (Variation ID: 51850). This variant has not been reported in the literature in individuals affected with BRCA2-related conditions. This variant is not present in population databases (gnomAD no frequency). This sequence change creates a premature translational stop signal (p.Ile180Phefs*2) in the BRCA2 gene. It is expected to result in an absent or disrupted protein product. Loss-of-function variants in BRCA2 are known to be pathogenic (PMID: 20104584).

Clinical Genetics and Genomics, Karolinska University Hospital
Classification: Pathogenic. Last evaluated: 2019-09-10. Review status: criteria provided, single submitter. Criteria: ACMG Guidelines, 2015. Collection method: clinical testing. Allele origin: germline. Affected: yes. Observed: 1 variant allele. Not counted in ClinVar's aggregate classification.

GeneDx
Classification: Pathogenic. Last evaluated: 2016-12-13. Review status: criteria provided, single submitter. Criteria: GeneDx Variant Classification (06012015). Collection method: clinical testing. Allele origin: germline. Affected: yes. Not counted in ClinVar's aggregate classification.
Comment: This deletion of two nucleotides in BRCA2 is denoted c.538_539delAT at the cDNA level and p.Ile180PhefsX2 (I180FfsX2) at the protein level. The normal sequence, with the bases that are deleted in brackets, is ACAT[delAT]TTCT. The deletion causes a frameshift which changes an Isoleucine to a Phenylalanine at codon 180, and creates a premature stop codon at position 2 of the new reading frame. This variant is predicted to cause loss of normal protein function through either protein truncation or nonsense-mediated mRNA decay. BRCA2 c.538_539delAT, also defined as 766_767delAT, has been observed in an individual with a personal history of prostate cancer and family history of breast cancer (de Juan 2015). We consider this variant to be pathogenic.

Consortium of Investigators of Modifiers of BRCA1/2 (CIMBA), c/o University of Cambridge
Classification: Pathogenic for Breast-ovarian cancer, familial, susceptibility to, 2. Last evaluated: 2015-10-02. Review status: criteria provided, single submitter. Criteria: CIMBA Mutation Classification guidelines May 2016. Collection method: clinical testing. Allele origin: germline. Not counted in ClinVar's aggregate classification.

Breast Cancer Information Core (BIC) (BRCA2)
Classification: Pathogenic for Breast-ovarian cancer, familial 2. Last evaluated: 2004-02-20. Review status: no assertion criteria provided. Collection method: clinical testing. Allele origin: germline. Affected: yes. Observed: 2 variant alleles. Not counted in ClinVar's aggregate classification.

Literature cited by the submitters: PubMed 23983145 (cited by Ambry Genetics); PubMed 26026974 (cited by Ambry Genetics); PubMed 28724667 (cited by Ambry Genetics); PubMed 20104584 (cited by Labcorp Genetics (formerly Invitae), Labcorp).